The following is an entry in ClinVar:

ClinVar aggregate classification (germline): Uncertain significance (1 of 4 stars; one submission).

Conditions:
Agammaglobulinemia 8, autosomal dominant (AGM8A). Also called: AGAMMAGLOBULINEMIA 8A, AUTOSOMAL DOMINANT; AGAMMAGLOBULINEMIA, AUTOSOMAL DOMINANT, DUE TO TCF3 DEFECT. Identifiers: MedGen C4310786, MONDO:0014840, OMIM 616941.

Submission:

Victorian Clinical Genetics Services, Murdoch Childrens Research Institute
Classification: Uncertain significance for Agammaglobulinemia 8, autosomal dominant. Last evaluated: 2025-02-04. Review status: criteria provided, single submitter. Criteria: ACMG Guidelines, 2015. Collection method: clinical testing. Allele origin: germline. Affected: yes.
Comment: This variant is classified as VUS-3A. Evidence in support of pathogenic classification: Variant is predicted to result in a truncated protein (premature termination codon is NOT located at least 54 nucleotides upstream of the final exon-exon junction) with less than 1/3 of the protein sequence affected; Variant is absent from gnomAD (v2, v3 and v4). Additional information: This variant is non-coding in an alternative transcript. This variant is present in a known mutually exclusive exon 18a/b; however, it is coding in the MANE transcript; This variant is heterozygous; This gene is associated with both recessive and dominant disease (OMIM); This variant has no previous evidence of pathogenicity; No published segregation evidence has been identified for this variant; No published functional evidence has been identified for this variant; Other downstream truncating variant(s) comparable to the one identified in this case have inconclusive previous evidence for pathogenicity. Two truncating variants have been classified as VUS or pathogenic by diagnostic laboratories in ClinVar; however, the pathogenic entry has insufficient evidence; Variant truncates the annotated helix-loop-helix DNA-binding domain (DECIPHER); Dominant negative and loss of function are known mechanisms of disease in this gene. Haploinsufficiency and dominant negative are associated with autosomal dominant agammaglobulinemia 8A (MIM#616941), while biallelic loss of function variants are associated with autosomal recessive agammaglobulinemia 8B (MIM#619824) (PMID: 37277074); The condition associated with this gene has incomplete penetrance. Monoallelic loss of function variants are known to have incomplete penetrance for autosomal dominant agammaglobulinemia 8A (MIM#616941) (PMID: 37277074); Inheritance information for this variant is not currently available in this individual.

Literature cited by the submitters: PubMed 37277074.

NM_003200.5(TCF3):c.1790C>A (p.Ser597Ter)

Gene: TCF3 (transcription factor 3; minus strand). Cytogenetic location: 19p13.3.
Variant type: single nucleotide variant.
Coding change: c.1790C>A on transcript NM_003200.5 (MANE Select); coding-DNA position 1790, C replaced by A.
Protein change: p.Ser597Ter; replaces serine 597 with a stop codon.
Molecular consequence: nonsense. On other transcripts: intron variant (2).
Genome position (GRCh38, 1-based): chr19:1,615,317, G>T on the plus strand (C>A on the coding strand, the complement: TCF3 is on the minus strand). VCF-style: chr19-1615317-G-T. GRCh37 (hg19) VCF-style: chr19-1615316-G-T.
Other names: c.1787C>A, p.Ser596Ter (NM_001351778.2); c.1586+369C>A (NM_001136139.4, NM_001351779.2); short protein forms S596*, S597*.
Identifiers: ClinVar variation 4531709 (VCV004531709.1).